The following is an entry in ClinVar:

NM_177438.3(DICER1):c.5385T>C (p.Asp1795=)

Gene: DICER1 (dicer 1, ribonuclease III; minus strand). Cytogenetic location: 14q32.13.
Variant type: single nucleotide variant.
Coding change: c.5385T>C on transcript NM_177438.3 (MANE Select); coding-DNA position 5385, T replaced by C.
Protein change: p.Asp1795=; no amino-acid change (aspartic acid 1795 retained).
Molecular consequence: synonymous variant. On other transcripts: non-coding transcript variant (6), intron variant (1).
Genome position (GRCh38, 1-based): chr14:95,091,345, A>G on the plus strand (T>C on the coding strand, the complement: DICER1 is on the minus strand). VCF-style: chr14-95091345-A-G. GRCh37 (hg19) VCF-style: chr14-95557682-A-G.
Other names: c.5385T>C, p.Asp1795= (NM_001271282.3, NM_001291628.2, NM_001395677.1 and 7 more transcripts); c.5103T>C, p.Asp1701= (NM_001395686.1); c.4980T>C, p.Asp1660= (NM_001395687.1, NM_001395688.1, NM_001395689.1 and 1 more transcripts); c.4818T>C, p.Asp1606= (NM_001395691.1); c.3702T>C, p.Asp1234= (NM_001395697.1); c.5365-236T>C (NM_001195573.1).
Identifiers: ClinVar variation 3272011 (VCV003272011.2).

ClinVar aggregate classification (germline): Benign/Likely benign. Review status: criteria provided, multiple submitters, no conflicts (2 of 4 stars). 2 submissions from 2 submitters: Benign (1); Likely benign (1). Last evaluated 2026-08-19.

Conditions:
Hereditary cancer-predisposing syndrome. Also called: Neoplastic Syndromes, Hereditary; Tumor predisposition; Hereditary neoplastic syndrome; Hereditary Cancer Syndrome. Identifiers: Orphanet 140162, MedGen C0027672, MeSH D009386, MONDO:0015356.
DICER1-related tumor predisposition. Also called: DICER1-related pleuropulmonary blastoma cancer predisposition syndrome; DICER1 syndrome. Identifiers: Orphanet 284343, MedGen C3839822, MONDO:0100216.

Submissions (2):

Myriad Genetics, Inc.
Classification: Benign for DICER1-related tumor predisposition. Last evaluated: 2026-08-19. Review status: criteria provided, single submitter. Criteria: Myriad Autosomal Dominant, Autosomal Recessive and X-Linked Classification Criteria (2023). Collection method: clinical testing. Allele origin: unknown.
Comment: This variant is considered benign. This variant is a silent/synonymous amino acid change and it is not expected to impact splicing.

Ambry Genetics
Classification: Likely benign for Hereditary cancer-predisposing syndrome. Last evaluated: 2024-04-19. Review status: criteria provided, single submitter. Criteria: Ambry Variant Classification Scheme 2023. Collection method: clinical testing. Allele origin: germline.